The following is an entry in ClinVar:

ClinVar aggregate classification (germline): Uncertain significance (1 of 4 stars; one submission).

Submission:

Women's Health and Genetics/Laboratory Corporation of America, LabCorp
Classification: Uncertain significance. Last evaluated: 2023-11-14. Review status: criteria provided, single submitter. Criteria: LabCorp Variant Classification Summary - May 2015. Collection method: clinical testing. Allele origin: germline.
Comment: Variant summary: RAG1 c.148_150delAAG (p.Lys50del) results in an in-frame deletion that is predicted to remove one amino acid from the RAG1 importin-binding domain (IPR035714) of the encoded protein. The variant allele was found at a frequency of 4e-06 in 251036 control chromosomes (gnomAD). The available data on variant occurrences in the general population are insufficient to allow any conclusion about variant significance. To our knowledge, no occurrence of c.148_150delAAG in individuals affected with Severe Combined Immunodeficiency and no experimental evidence demonstrating its impact on protein function have been reported. No submitters have cited clinical-significance assessments for this variant to ClinVar after 2014. Based on the evidence outlined above, the variant was classified as uncertain significance.

NM_000448.3(RAG1):c.145AAG[1] (p.Lys50del)

Gene: RAG1 (recombination activating 1; plus strand). Cytogenetic location: 11p12.
Variant type: Microsatellite.
Coding change: c.145AAG[1] on transcript NM_000448.3 (MANE Select); one copy of the 3-base unit AAG starting at c.145; the reference has two copies in a row; one copy, 3 bases deleted.
Protein change: p.Lys50del; deletes lysine 50.
Molecular consequence: inframe deletion.
Genome position (GRCh38, 1-based): chr11:36,573,452-36,573,454, AAG deleted; deleting any 3 consecutive bases within chr11:36,573,449-36,573,454 gives the same sequence; the position shown is the placement nearest the transcript's 3' end. VCF-style (leftmost placement, unchanged base first): chr11-36573448-AAAG-A. GRCh37 (hg19) VCF-style: chr11-36594998-AAAG-A.
Other names: c.145AAG[1], p.Lys50del (NM_001377277.1, NM_001377278.1, NM_001377279.1 and 1 more transcripts); c.148_150delAAG (NM_000448.3); short protein forms K50del.
Identifiers: ClinVar variation 2682500 (VCV002682500.1), dbSNP rs1286475782, ClinGen allele CA474031047.